The following is an entry in ClinVar:

NM_001868.4(CPA1):c.991C>G (p.Gln331Glu)

Gene: CPA1 (carboxypeptidase A1; plus strand). Cytogenetic location: 7q32.2.
Variant type: single nucleotide variant.
Coding change: c.991C>G on transcript NM_001868.4 (MANE Select); coding-DNA position 991, C replaced by G.
Protein change: p.Gln331Glu; replaces glutamine 331 with glutamic acid.
Molecular consequence: missense variant.
Genome position (GRCh38, 1-based): chr7:130,385,842, C>G. VCF-style: chr7-130385842-C-G. GRCh37 (hg19) VCF-style: chr7-130025683-C-G.
Other names: short protein forms Q331E.
Identifiers: ClinVar variation 3221858 (VCV003221858.1), dbSNP rs908124149, ClinGen allele CA166891771.

ClinVar aggregate classification (germline): Uncertain significance (1 of 4 stars; one submission).

Conditions:
Hereditary pancreatitis (PCTT). Also called: Hereditary chronic pancreatitis; PRSS1-Related Hereditary Pancreatitis. Identifiers: Orphanet 676, MedGen C0238339, MONDO:0008185, OMIM 167800.

Submission:

Ambry Genetics
Classification: Uncertain significance for Hereditary pancreatitis. Last evaluated: 2024-02-22. Review status: criteria provided, single submitter. Criteria: Ambry Variant Classification Scheme 2023. Collection method: clinical testing. Allele origin: germline.
Comment: The p.Q331E variant (also known as c.991C>G), located in coding exon 9 of the CPA1 gene, results from a C to G substitution at nucleotide position 991. The glutamine at codon 331 is replaced by glutamic acid, an amino acid with highly similar properties. This amino acid position is conserved. In addition, this alteration is predicted to be tolerated by in silico analysis. Based on the available evidence, the clinical significance of this alteration remains unclear.